The following is an entry in ClinVar:

ClinVar aggregate classification (germline): Pathogenic (1 of 4 stars; one submission).

Submission:

GeneDx
Classification: Pathogenic. Last evaluated: 2023-10-05. Review status: criteria provided, single submitter. Criteria: GeneDx Variant Classification Process June 2021. Collection method: clinical testing. Allele origin: germline. Affected: yes.
Comment: Frameshift variant predicted to result in protein truncation, as the last 47 amino acids are replaced with 77 different amino acids, and other loss-of-function variants have been reported downstream in HGMD; This variant is associated with the following publications: (PMID: 18350553, 23406512, 32141364, 15229184)

NM_001099857.5(IKBKG):c.1116del (p.Ala373fs)

Gene: IKBKG (inhibitor of nuclear factor kappa B kinase regulatory subunit gamma; plus strand). Cytogenetic location: Xq28.
Variant type: Deletion.
Coding change: c.1116del on transcript NM_001099857.5 (MANE Select); coding-DNA position 1116, one base deleted (T; older notation c.1116delT).
Protein change: p.Ala373fs; shifts the reading frame from alanine 373.
Molecular consequence: frameshift variant. On other transcripts: non-coding transcript variant (1).
Genome position (GRCh38, 1-based): chrX:154,564,019, T deleted. VCF-style (leftmost placement, unchanged base first): chrX-154564018-CT-C. GRCh37 (hg19) VCF-style: chrX-153792233-CT-C.
Other names: c.1320del, p.Ala441fs (NM_001099856.6); c.819del, p.Ala274fs (NM_001145255.4); c.1116del, p.Ala373fs (NM_001321396.3, NM_001377312.1, NM_003639.4); c.1113del, p.Ala372fs (NM_001321397.3, NM_001377313.1); c.960del, p.Ala321fs (NM_001377314.1); c.747del, p.Ala250fs (NM_001377315.1); c.1116delT, p.Ala373Profs (NM_003639.3); short protein forms A250fs, A274fs, A321fs, A372fs, A373fs, A441fs.
Identifiers: ClinVar variation 2663721 (VCV002663721.1), dbSNP rs1557236795, ClinGen allele CA645291703.